The following is an entry in ClinVar:

ClinVar aggregate classification (germline): Uncertain significance. Review status: criteria provided, multiple submitters, no conflicts (2 of 4 stars). 2 submissions from 2 submitters: Uncertain significance (2). Last evaluated 2024-12-23.

Conditions:
Hereditary nonpolyposis colorectal neoplasms. Identifiers: MedGen C0009405, MeSH D003123.
Hereditary cancer-predisposing syndrome. Also called: Hereditary neoplastic syndrome; Neoplastic Syndromes, Hereditary; Hereditary Cancer Syndrome; Tumor predisposition. Identifiers: Orphanet 140162, MedGen C0027672, MeSH D009386, MONDO:0015356.

Submissions (2):

Ambry Genetics
Classification: Uncertain significance for Hereditary cancer-predisposing syndrome. Last evaluated: 2024-12-23. Review status: criteria provided, single submitter. Criteria: Ambry Variant Classification Scheme 2023. Collection method: clinical testing. Allele origin: germline.
Comment: The p.A300P variant (also known as c.898G>C), located in coding exon 8 of the PMS2 gene, results from a G to C substitution at nucleotide position 898. The alanine at codon 300 is replaced by proline, an amino acid with highly similar properties. This amino acid position is not well conserved in available vertebrate species. In addition, the in silico prediction for this alteration is inconclusive. Based on the available evidence, the clinical significance of this variant remains unclear.

Labcorp Genetics (formerly Invitae), Labcorp
Classification: Uncertain significance for Hereditary nonpolyposis colorectal neoplasms. Last evaluated: 2019-10-11. Review status: criteria provided, single submitter. Criteria: Invitae Variant Classification Sherloc (09022015). Collection method: clinical testing. Allele origin: germline.
Comment: In summary, the available evidence is currently insufficient to determine the role of this variant in disease. Therefore, it has been classified as a Variant of Uncertain Significance. Algorithms developed to predict the effect of missense changes on protein structure and function (SIFT, PolyPhen-2, Align-GVGD) all suggest that this variant is likely to be tolerated, but these predictions have not been confirmed by published functional studies and their clinical significance is uncertain. This variant has been observed in an individual affected with colorectal cancer (PMID: 28466842). This variant is not present in population databases (ExAC no frequency). This sequence change replaces alanine with proline at codon 300 of the PMS2 protein (p.Ala300Pro). The alanine residue is weakly conserved and there is a small physicochemical difference between alanine and proline.

Literature cited by the submitters: PubMed 28466842 (cited by Labcorp Genetics (formerly Invitae), Labcorp).

NM_000535.7(PMS2):c.898G>C (p.Ala300Pro)

Gene: PMS2 (PMS1 homolog 2, mismatch repair system component; minus strand). Cytogenetic location: 7p22.1.
Variant type: single nucleotide variant.
Coding change: c.898G>C on transcript NM_000535.7 (MANE Select); coding-DNA position 898, G replaced by C.
Protein change: p.Ala300Pro; replaces alanine 300 with proline.
Molecular consequence: missense variant. On other transcripts: 5 prime UTR variant (2), non-coding transcript variant (1).
Genome position (GRCh38, 1-based): chr7:5,995,539, C>G on the plus strand (G>C on the coding strand, the complement: PMS2 is on the minus strand). VCF-style: chr7-5995539-C-G. GRCh37 (hg19) VCF-style: chr7-6035170-C-G.
Other names: c.493G>C, p.Ala165Pro (NM_001322003.2, NM_001322004.2, NM_001322005.2 and 2 more transcripts); c.898G>C, p.Ala300Pro (NM_001322006.2, NM_001322014.2); c.580G>C, p.Ala194Pro (NM_001322007.2, NM_001322008.2); c.-36G>C (NM_001322011.2, NM_001322012.2); c.325G>C, p.Ala109Pro (NM_001322013.2); c.589G>C, p.Ala197Pro (NM_001322015.2); short protein forms A300P, A165P, A194P, A109P, A197P.
Identifiers: ClinVar variation 968459 (VCV000968459.9), dbSNP rs771561768, ClinGen allele CA153237762.